The following is an entry in ClinVar:

NM_213720.3(CHCHD10):c.410-3C>T

Gene: CHCHD10 (coiled-coil-helix-coiled-coil-helix domain containing 10; minus strand). Cytogenetic location: 22q11.23.
Variant type: single nucleotide variant.
Coding change: c.410-3C>T on transcript NM_213720.3 (MANE Select); 3 bases into the intron before coding-DNA position 410, C replaced by T.
Molecular consequence: intron variant.
Genome position (GRCh38, 1-based): chr22:23,766,029, G>A on the plus strand (C>T on the coding strand, the complement: CHCHD10 is on the minus strand). VCF-style: chr22-23766029-G-A. GRCh37 (hg19) VCF-style: chr22-24108216-G-A.
Other names: c.431-3C>T (NM_001301339.2).
Identifiers: ClinVar variation 968488 (VCV000968488.9), dbSNP rs767630947, ClinGen allele CA10145206.

ClinVar aggregate classification (germline): Uncertain significance (1 of 4 stars; one submission).

Conditions:
Lower motor neuron syndrome with late-adult onset (SMAJ). Also called: Spinal muscular atrophy, Jokela type; Late-Onset Spinal Motor Neuronopathy (SMAJ). Identifiers: Orphanet 276435, MedGen C3554398, MONDO:0014025, OMIM 615048.
Frontotemporal dementia and/or amyotrophic lateral sclerosis 2. Also called: FTDALS2. Identifiers: Orphanet 275872, MedGen C4014648, MONDO:0014395, OMIM 615911.
Autosomal dominant mitochondrial myopathy with exercise intolerance (IMMD). Also called: Myopathy, isolated mitochondrial, autosomal dominant. Identifiers: Orphanet 457050, MedGen C4015513, MONDO:0014532, OMIM 616209.

Allele frequency attached by ClinVar (database versions not stated): gnomAD exomes 0.00001 and below 0.00001; TOPMed 0.00001; ExAC 0.00001.

Submission:

Labcorp Genetics (formerly Invitae), Labcorp
Classification: Uncertain significance for Lower motor neuron syndrome with late-adult onset; Frontotemporal dementia and/or amyotrophic lateral sclerosis 2; Autosomal dominant mitochondrial myopathy with exercise intolerance. Last evaluated: 2025-10-01. Review status: criteria provided, single submitter. Criteria: Invitae Variant Classification Sherloc (09022015). Collection method: clinical testing. Allele origin: germline.
Comment: This sequence change falls in intron 3 of the CHCHD10 gene. It does not directly change the encoded amino acid sequence of the CHCHD10 protein. It affects a nucleotide within the consensus splice site. This variant is present in population databases (rs767630947, gnomAD 0.006%). This variant has not been reported in the literature in individuals affected with CHCHD10-related conditions. ClinVar contains an entry for this variant (Variation ID: 968488). Variants that disrupt the consensus splice site are a relatively common cause of aberrant splicing (PMID: 17576681, 9536098). Algorithms developed to predict the effect of sequence changes on RNA splicing suggest that this variant is not likely to affect RNA splicing. In summary, the available evidence is currently insufficient to determine the role of this variant in disease. Therefore, it has been classified as a Variant of Uncertain Significance.

Literature cited by the submitters: PubMed 17576681; PubMed 9536098.